The following is an entry in ClinVar:

NM_000090.4(COL3A1):c.799-11A>T

Gene: COL3A1 (collagen type III alpha 1 chain; plus strand). Cytogenetic location: 2q32.2.
Variant type: single nucleotide variant.
Coding change: c.799-11A>T on transcript NM_000090.4 (MANE Select); 11 bases into the intron before coding-DNA position 799, A replaced by T.
Molecular consequence: intron variant.
Genome position (GRCh38, 1-based): chr2:188,990,993, A>T. VCF-style: chr2-188990993-A-T. GRCh37 (hg19) VCF-style: chr2-189855719-A-T.
Identifiers: ClinVar variation 897937 (VCV000897937.13), dbSNP rs200148262, ClinGen allele CA076936.

ClinVar aggregate classification (germline): Benign/Likely benign. Review status: criteria provided, multiple submitters, no conflicts (2 of 4 stars). 3 submissions from 3 submitters: Benign (1); Likely benign (2). Last evaluated 2025-12-22.

Conditions:
Familial thoracic aortic aneurysm and aortic dissection (TAAD). Also called: Thoracic aortic aneurysms and dissections. Identifiers: Orphanet 91387, MedGen C4707243, MONDO:0019625.
Ehlers-Danlos syndrome, type 4 (EDSVASC). Also called: Ehlers-Danlos Syndrome Type IV; Ehlers-Danlos syndrome vascular type; Ehlers Danlos syndrome, ecchymotic type; Ehlers Danlos syndrome, arterial type; Ehlers Danlos syndrome, Sack-Barabas type. Identifiers: Orphanet 286, MedGen C0268338, MONDO:0017314, OMIM 130050.

Allele frequency attached by ClinVar (database versions not stated): gnomAD 0.00021 and 0.00019; TOPMed 0.00026; 1000 Genomes Project 30x 0.00031; 1000 Genomes Project 0.00040; ExAC 0.00005.
gnomAD v4.1: 50 of 1,612,598 alleles (0.0031%); highest among the groups gnomAD compares: African/African-American, 0.064%; no homozygotes.

Submissions (3):

Labcorp Genetics (formerly Invitae), Labcorp
Classification: Likely benign for Ehlers-Danlos syndrome, type 4. Last evaluated: 2025-12-22. Review status: criteria provided, single submitter. Criteria: Invitae Variant Classification Sherloc (09022015). Collection method: clinical testing. Allele origin: germline.

Color Diagnostics, LLC DBA Color Health
Classification: Likely benign for Familial thoracic aortic aneurysm and aortic dissection. Last evaluated: 2019-08-02. Review status: criteria provided, single submitter. Criteria: ACMG Guidelines, 2015. Collection method: clinical testing. Allele origin: germline.

Illumina Laboratory Services, Illumina
Classification: Benign for Ehlers-Danlos syndrome, type 4. Last evaluated: 2018-01-12. Review status: criteria provided, single submitter. Criteria: ICSL Variant Classification Criteria 13 December 2019. Collection method: clinical testing. Allele origin: germline.
Comment: This variant was observed in the ICSL laboratory as part of a predisposition screen in an ostensibly healthy population. It had not been previously curated by ICSL or reported in the Human Gene Mutation Database (HGMD: prior to June 1st, 2018), and was therefore a candidate for classification through an automated scoring system. Utilizing variant allele frequency, disease prevalence and penetrance estimates, and inheritance mode, an automated score was calculated to assess if this variant is too frequent to cause the disease. Based on the score and internal cut-off values, a variant classified as benign is not then subjected to further curation. The score for this variant resulted in a classification of benign for this disease.